The following is an entry in ClinVar:

ClinVar aggregate classification (germline): Uncertain significance (1 of 4 stars; one submission).

Conditions:
Autosomal recessive ataxia, Beauce type. Also called: SYNE1-Related Autosomal Recessive Cerebellar Ataxia; Spinocerebellar ataxia, autosomal recessive 8; ATAXIA, RECESSIVE, OF BEAUCE; SYNE1 Deficiency. Identifiers: Orphanet 88644, MedGen C1853116, MONDO:0012549, OMIM 610743.
Emery-Dreifuss muscular dystrophy 4, autosomal dominant (EDMD4). Also called: EMERY-DREIFUSS MUSCULAR DYSTROPHY 4 WITH VARIABLE FEATURES. Identifiers: Orphanet 261, MedGen C2751807, MONDO:0013071, OMIM 612998.

gnomAD v4.1: 2 of 1,614,074 alleles (0.00012%); highest among the groups gnomAD compares: Non-Finnish European, 0.000085%; no homozygotes.

Submission:

Labcorp Genetics (formerly Invitae), Labcorp
Classification: Uncertain significance for Emery-Dreifuss muscular dystrophy 4, autosomal dominant; Autosomal recessive ataxia, Beauce type. Last evaluated: 2026-01-19. Review status: criteria provided, single submitter. Criteria: Invitae Variant Classification Sherloc (09022015). Collection method: clinical testing. Allele origin: germline.
Comment: This sequence change replaces glutamic acid, which is acidic and polar, with glutamine, which is neutral and polar, at codon 6536 of the SYNE1 protein (p.Glu6536Gln). This variant is present in population databases (no rsID available, gnomAD no frequency). This variant has not been reported in the literature in individuals affected with SYNE1-related conditions. An algorithm developed to predict the effect of missense changes on protein structure and function (PolyPhen-2) suggests that this variant is likely to be disruptive. In summary, the available evidence is currently insufficient to determine the role of this variant in disease. Therefore, it has been classified as a Variant of Uncertain Significance.

NM_182961.4(SYNE1):c.19819G>C (p.Glu6607Gln)

Gene: SYNE1 (spectrin repeat containing nuclear envelope protein 1; minus strand). Cytogenetic location: 6q25.2.
Variant type: single nucleotide variant.
Coding change: c.19819G>C on transcript NM_182961.4 (MANE Select); coding-DNA position 19819, G replaced by C.
Protein change: p.Glu6607Gln; replaces glutamic acid 6607 with glutamine.
Molecular consequence: missense variant.
Genome position (GRCh38, 1-based): chr6:152,242,314, C>G on the plus strand (G>C on the coding strand, the complement: SYNE1 is on the minus strand). VCF-style: chr6-152242314-C-G. GRCh37 (hg19) VCF-style: chr6-152563449-C-G.
Other names: c.19606G>C, p.Glu6536Gln (NM_033071.5); short protein forms E6536Q, E6607Q.
Identifiers: ClinVar variation 4791276 (VCV004791276.1).